The following is an entry in ClinVar:

NM_001378969.1(KCND3):c.143G>C (p.Gly48Ala)

Gene: KCND3 (potassium voltage-gated channel subfamily D member 3; minus strand). Cytogenetic location: 1p13.2.
Variant type: single nucleotide variant.
Coding change: c.143G>C on transcript NM_001378969.1 (MANE Select); coding-DNA position 143, G replaced by C.
Protein change: p.Gly48Ala; replaces glycine 48 with alanine.
Molecular consequence: missense variant.
Genome position (GRCh38, 1-based): chr1:111,982,584, C>G on the plus strand (G>C on the coding strand, the complement: KCND3 is on the minus strand). VCF-style: chr1-111982584-C-G. GRCh37 (hg19) VCF-style: chr1-112525206-C-G.
Other names: c.143G>C, p.Gly48Ala (NM_001378970.1, NM_004980.5, NM_172198.3); short protein forms G48A.
Identifiers: ClinVar variation 3651565 (VCV003651565.2).
Genomic context (GRCh38, chr1:111,982,584, plus strand): 5'-CTGCCCAGCAGGGTGTCCGGGTAGCGCTCCAGCGTGGTCCTCCAGGTCTGGAACCTCCGC[C>G]CACTCACGTTGAGGACAATCAGCTCATCCTGCCGCTTGTTCTTGTCGGCCGGGGCCAGGG-3'
Protein context (NP_001365898.1, residues 38-58): QDELIVLNVS[Gly48Ala]RRFQTWRTTL

ClinVar aggregate classification (germline): Uncertain significance (1 of 4 stars; one submission).

Conditions:
Spinocerebellar ataxia type 19/22 (SCA19). Also called: SPINOCEREBELLAR ATAXIA 19; SPINOCEREBELLAR ATAXIA 22. Identifiers: Orphanet 98772, MedGen C1846367, MONDO:0011819, OMIM 607346.

Submission:

Labcorp Genetics (formerly Invitae), Labcorp
Classification: Uncertain significance for Spinocerebellar ataxia type 19/22. Last evaluated: 2024-04-29. Review status: criteria provided, single submitter. Criteria: Invitae Variant Classification Sherloc (09022015). Collection method: clinical testing. Allele origin: germline.
Comment: This sequence change replaces glycine, which is neutral and non-polar, with alanine, which is neutral and non-polar, at codon 48 of the KCND3 protein (p.Gly48Ala). This variant is not present in population databases (gnomAD no frequency). This variant has not been reported in the literature in individuals affected with KCND3-related conditions. Advanced modeling of protein sequence and biophysical properties (such as structural, functional, and spatial information, amino acid conservation, physicochemical variation, residue mobility, and thermodynamic stability) has been performed at Invitae for this missense variant, however the output from this modeling did not meet the statistical confidence thresholds required to predict the impact of this variant on KCND3 protein function. In summary, the available evidence is currently insufficient to determine the role of this variant in disease. Therefore, it has been classified as a Variant of Uncertain Significance.